The following is an entry in ClinVar:

NM_015338.6(ASXL1):c.3546T>G (p.Cys1182Trp)

Gene: ASXL1 (ASXL transcriptional regulator 1; plus strand). Cytogenetic location: 20q11.21.
Variant type: single nucleotide variant.
Coding change: c.3546T>G on transcript NM_015338.6 (MANE Select); coding-DNA position 3546, T replaced by G.
Protein change: p.Cys1182Trp; replaces cysteine 1182 with tryptophan.
Molecular consequence: missense variant.
Genome position (GRCh38, 1-based): chr20:32,436,258, T>G. VCF-style: chr20-32436258-T-G. GRCh37 (hg19) VCF-style: chr20-31024061-T-G.
Other names: c.3363T>G, p.Cys1121Trp (NM_001363734.1); short protein forms C1182W, C1121W.
Identifiers: ClinVar variation 1941744 (VCV001941744.5), dbSNP rs2515581963, ClinGen allele CA408563291.

ClinVar aggregate classification (germline): Uncertain significance (1 of 4 stars; one submission).

Submission:

Labcorp Genetics (formerly Invitae), Labcorp
Classification: Uncertain significance. Last evaluated: 2022-04-26. Review status: criteria provided, single submitter. Criteria: Invitae Variant Classification Sherloc (09022015). Collection method: clinical testing. Allele origin: germline.
Comment: Algorithms developed to predict the effect of missense changes on protein structure and function (SIFT, PolyPhen-2, Align-GVGD) all suggest that this variant is likely to be tolerated. In summary, the available evidence is currently insufficient to determine the role of this variant in disease. Therefore, it has been classified as a Variant of Uncertain Significance. This variant has not been reported in the literature in individuals affected with ASXL1-related conditions. This variant is not present in population databases (gnomAD no frequency). This sequence change replaces cysteine, which is neutral and slightly polar, with tryptophan, which is neutral and slightly polar, at codon 1182 of the ASXL1 protein (p.Cys1182Trp).